The following is an entry in ClinVar:

NM_001042492.3(NF1):c.6820-1G>C

Gene: NF1 (neurofibromin 1; plus strand). Cytogenetic location: 17q11.2.
Variant type: single nucleotide variant.
Coding change: c.6820-1G>C on transcript NM_001042492.3 (MANE Select); the canonical splice acceptor site of the intron before coding-DNA position 6820, G replaced by C.
Molecular consequence: splice acceptor variant.
Genome position (GRCh38, 1-based): chr17:31,338,703, G>C. VCF-style: chr17-31338703-G-C. GRCh37 (hg19) VCF-style: chr17-29665721-G-C.
Other names: c.6757-1G>C (NM_000267.4).
Identifiers: ClinVar variation 404449 (VCV000404449.8), dbSNP rs1060500266, ClinGen allele CA16615676.

ClinVar aggregate classification (germline): Pathogenic/Likely pathogenic. Review status: criteria provided, multiple submitters, no conflicts (2 of 4 stars). 3 submissions from 3 submitters: Pathogenic (2); Likely pathogenic (1). Last evaluated 2025-09-24.

Conditions:
Hereditary cancer-predisposing syndrome. Also called: Tumor predisposition; Neoplastic Syndromes, Hereditary; Hereditary Cancer Syndrome; Hereditary neoplastic syndrome. Identifiers: Orphanet 140162, MedGen C0027672, MeSH D009386, MONDO:0015356.
Cardiovascular phenotype. Identifiers: MedGen CN230736.
Neurofibromatosis, type 1 (NF1). Also called: Neurofibromatosis, type I; NEUROFIBROMATOSIS, TYPE I, SOMATIC; Peripheral type neurofibromatosis; VON RECKLINGHAUSEN DISEASE. Identifiers: Orphanet 636, MedGen C0027831, MONDO:0018975, OMIM 162200. Disease mechanism: loss of function.

Submissions (4):

Labcorp Genetics (formerly Invitae), Labcorp
Classification: Pathogenic for Neurofibromatosis, type 1. Last evaluated: 2025-09-24. Review status: criteria provided, single submitter. Criteria: Invitae Variant Classification Sherloc (09022015). Collection method: clinical testing. Allele origin: germline.
Comment: This sequence change affects an acceptor splice site in intron 44 of the NF1 gene. It is expected to disrupt RNA splicing. Variants that disrupt the donor or acceptor splice site typically lead to a loss of protein function (PMID: 16199547), and loss-of-function variants in NF1 are known to be pathogenic (PMID: 10712197, 23913538). This variant is not present in population databases (gnomAD no frequency). Disruption of this splice site has been observed in individual(s) with neurofibromatosis type 1 (PMID: 23668869). ClinVar contains an entry for this variant (Variation ID: 404449). Algorithms developed to predict the effect of sequence changes on RNA splicing suggest that this variant may disrupt the consensus splice site. For these reasons, this variant has been classified as Pathogenic.

GeneDx
Classification: Pathogenic. Last evaluated: 2024-10-16. Review status: criteria provided, single submitter. Criteria: GeneDx Variant Classification Process June 2021. Collection method: clinical testing. Allele origin: germline. Affected: yes.
Comment: Canonical splice site variant predicted to result in an in-frame loss of the adjacent exon in a gene for which loss of function is a known mechanism of disease; Deletions involving coding exons of this gene are a known mechanism of disease (HGMD); Not observed at significant frequency in large population cohorts (gnomAD); Has not been previously published as pathogenic or benign to our knowledge

Ambry Genetics
Classification: Likely pathogenic for Cardiovascular phenotype; Hereditary cancer-predisposing syndrome. Last evaluated: 2023-09-20. Review status: criteria provided, single submitter. Criteria: Ambry Variant Classification Scheme 2023. Collection method: clinical testing. Allele origin: germline.
Comment: The c.6757-1G>C intronic variant results from a G to C substitution one nucleotide upstream from coding exon 45 of the NF1 gene. Alterations that disrupt the canonical splice site are expected to result in aberrant splicing. In silico splice site analysis predicts that this alteration will weaken the native splice acceptor site. The resulting transcript is predicted to be in-frame and is not expected to trigger nonsense-mediated mRNAdecay; however, direct evidence is unavailable. The exact functional effect of the altered amino acid sequence is unknown; however, and the impacted region is critical for protein function (Ambry internal data). Another alteration impacting the same acceptor site (c.6757-2A>C) has been detected in two individuals with clinical diagnosis of neurofibromatosis type 1 (Pasmant E et al. Eur. J. Hum. Genet., 2015 May;23:596-601; Hutter S et al. Hum. Genet., 2016 May;135:469-75). This variant is considered to be rare based on population cohorts in the Genome Aggregation Database (gnomAD). This nucleotide position is highly conserved in available vertebrate species. Based on the majority of available evidence to date, this variant is likely to be pathogenic.

Dr. Peter K. Rogan Lab, Western University
No classification provided (evidence only). Condition: Lung cancer. Review status: no classification provided. Collection method: in vitro. Allele origin: not applicable. Functional consequence: skipped exon. Not counted in ClinVar's aggregate classification.

Literature cited by the submitters: PubMed 16199547 (cited by Labcorp Genetics (formerly Invitae), Labcorp); PubMed 10712197 (cited by Labcorp Genetics (formerly Invitae), Labcorp); PubMed 23913538 (cited by Labcorp Genetics (formerly Invitae), Labcorp); PubMed 23668869 (cited by Labcorp Genetics (formerly Invitae), Labcorp).